The following is an entry in ClinVar:

ClinVar aggregate classification (germline): Uncertain significance (1 of 4 stars; one submission).

Conditions:
Deficiency of alpha-mannosidase (MANSA). Also called: Alpha-Mannosidosis; Mannosidosis, alpha-, types I and II; LYSOSOMAL ALPHA-D-MANNOSIDASE DEFICIENCY. Identifiers: Orphanet 61, MedGen C0024748, MONDO:0009561, OMIM 248500.

Allele frequency attached by ClinVar (database versions not stated): gnomAD exomes below 0.00001; TOPMed 0.00001; gnomAD 0.00002.
gnomAD v4.1: 9 of 1,554,474 alleles (0.00058%); highest among the groups gnomAD compares: African/African-American, 0.0041%; no homozygotes.

Submission:

Labcorp Genetics (formerly Invitae), Labcorp
Classification: Uncertain significance for Deficiency of alpha-mannosidase. Last evaluated: 2021-11-29. Review status: criteria provided, single submitter. Criteria: Invitae Variant Classification Sherloc (09022015). Collection method: clinical testing. Allele origin: germline.
Comment: This sequence change replaces tryptophan, which is neutral and slightly polar, with arginine, which is basic and polar, at codon 22 of the MAN2B1 protein (p.Trp22Arg). This variant is present in population databases (no rsID available, gnomAD 0.01%). This variant has not been reported in the literature in individuals affected with MAN2B1-related conditions. Algorithms developed to predict the effect of missense changes on protein structure and function output the following: SIFT: "Tolerated"; PolyPhen-2: "Benign"; Align-GVGD: "Class C0". The arginine amino acid residue is found in multiple mammalian species, which suggests that this missense change does not adversely affect protein function. In summary, the available evidence is currently insufficient to determine the role of this variant in disease. Therefore, it has been classified as a Variant of Uncertain Significance.

NM_000528.4(MAN2B1):c.64T>C (p.Trp22Arg)

Genes: MAN2B1 (mannosidase alpha class 2B member 1; minus strand), LOC130063650 (ATAC-STARR-seq lymphoblastoid silent region 10156; plus strand). Cytogenetic location: 19p13.13.
Variant type: single nucleotide variant.
Coding change: c.64T>C on transcript NM_000528.4 (MANE Select); coding-DNA position 64, T replaced by C.
Protein change: p.Trp22Arg; replaces tryptophan 22 with arginine.
Molecular consequence: missense variant.
Genome position (GRCh38, 1-based): chr19:12,666,638, A>G on the plus strand (T>C on the coding strand, the complement: MAN2B1 is on the minus strand). VCF-style: chr19-12666638-A-G. GRCh37 (hg19) VCF-style: chr19-12777452-A-G.
Other names: c.64T>C, p.Trp22Arg (NM_001173498.2); short protein forms W22R.
Identifiers: ClinVar variation 1434400 (VCV001434400.3), dbSNP rs1329492928, ClinGen allele CA404260851.